The following is an entry in ClinVar:

ClinVar aggregate classification (germline): Likely pathogenic (1 of 4 stars; one submission).

Conditions:
Autosomal recessive polycystic kidney disease (ARPKD). Also called: AR polycystic kidney disease. Identifiers: Orphanet 731, Orphanet 8378, MedGen C0085548, MeSH D017044, MONDO:0009889.

Submission:

Natera, Inc.
Classification: Likely pathogenic for Autosomal recessive polycystic kidney disease. Last evaluated: 2025-10-14. Review status: criteria provided, single submitter. Criteria: Natera Variant Classification Schema (03/2026). Collection method: clinical testing. Allele origin: germline.
Comment: The c.976+1G>T variant in PKHD1 is a canonical splice donor site variant predicted to affect pre-mRNA splicing, which may result in an abnormal transcript and altered protein product. This variant is expected to result in nonsense mediated decay, truncation, or a dysfunctional protein product. This variant is rare in the general population with a frequency below the threshold expected for the associated phenotype(s). Given the available evidence, this variant is classified as Likely Pathogenic.

NM_138694.4(PKHD1):c.976+1G>T

Gene: PKHD1 (PKHD1 ciliary IPT domain containing fibrocystin/polyductin; minus strand). Cytogenetic location: 6p12.2.
Variant type: single nucleotide variant.
Coding change: c.976+1G>T on transcript NM_138694.4 (MANE Select); the canonical splice donor site of the intron after coding-DNA position 976, G replaced by T.
Molecular consequence: splice donor variant.
Genome position (GRCh38, 1-based): chr6:52,064,954, C>A on the plus strand (G>T on the coding strand, the complement: PKHD1 is on the minus strand). VCF-style: chr6-52064954-C-A. GRCh37 (hg19) VCF-style: chr6-51929752-C-A.
Other names: c.976+1G>T (NM_170724.3).
Identifiers: ClinVar variation 4816806 (VCV004816806.1).